The following is an entry in ClinVar:

ClinVar aggregate classification (germline): Uncertain significance. Review status: criteria provided, multiple submitters, no conflicts (2 of 4 stars). 2 submissions from 2 submitters: Uncertain significance (2). Last evaluated 2023-08-22.

Allele frequency attached by ClinVar (database versions not stated): gnomAD exomes below 0.00001; TOPMed below 0.00001; ExAC 0.00001; gnomAD 0.00001.
gnomAD v4.1: 4 of 1,610,652 alleles (0.00025%); highest among the groups gnomAD compares: Non-Finnish European, 0.000085%; no homozygotes.

Submissions (2):

Labcorp Genetics (formerly Invitae), Labcorp
Classification: Uncertain significance. Last evaluated: 2023-08-22. Review status: criteria provided, single submitter. Criteria: Invitae Variant Classification Sherloc (09022015). Collection method: clinical testing. Allele origin: germline.
Comment: ClinVar contains an entry for this variant (Variation ID: 505299). This variant has not been reported in the literature in individuals affected with ADGRV1-related conditions. The frequency data for this variant in the population databases is considered unreliable, as metrics indicate poor data quality at this position in the gnomAD database. This sequence change replaces glycine, which is neutral and non-polar, with glutamic acid, which is acidic and polar, at codon 2957 of the ADGRV1 protein (p.Gly2957Glu). In summary, the available evidence is currently insufficient to determine the role of this variant in disease. Therefore, it has been classified as a Variant of Uncertain Significance. An algorithm developed to predict the effect of missense changes on protein structure and function (PolyPhen-2) suggests that this variant is likely to be disruptive.

Laboratory for Molecular Medicine, Mass General Brigham Personalized Medicine
Classification: Uncertain significance. Last evaluated: 2016-09-22. Review status: criteria provided, single submitter. Criteria: LMM Criteria. Collection method: clinical testing. Allele origin: germline. Observed: 1 variant allele.
Comment: The p.Gly2957Glu variant in GPR98 has not been previously reported in individual s with hearing loss or Usher syndrome. This variant has been identified in 1/584 10 European chromosomes by the Exome Aggregation Consortium (ExAC; dbSNP rs762211616). Computational prediction tools and conser vation analysis suggest that the p.Gly2957Glu variant may impact the protein, th ough this information is not predictive enough to determine pathogenicity. In su mmary, the clinical significance of the p.Gly2957Glu variant is uncertain.

NM_032119.4(ADGRV1):c.8870G>A (p.Gly2957Glu)

Gene: ADGRV1 (adhesion G protein-coupled receptor V1; plus strand). Cytogenetic location: 5q14.3.
Variant type: single nucleotide variant.
Coding change: c.8870G>A on transcript NM_032119.4 (MANE Select); coding-DNA position 8870, G replaced by A.
Protein change: p.Gly2957Glu; replaces glycine 2957 with glutamic acid.
Molecular consequence: missense variant. On other transcripts: non-coding transcript variant (1).
Genome position (GRCh38, 1-based): chr5:90,711,026, G>A. VCF-style: chr5-90711026-G-A. GRCh37 (hg19) VCF-style: chr5-90006843-G-A.
Other names: short protein forms G2957E.
Identifiers: ClinVar variation 505299 (VCV000505299.7), dbSNP rs762211616, ClinGen allele CA3340388.